The following is an entry in ClinVar:

NM_024741.3(ZNF408):c.2137G>A (p.Val713Met)

Gene: ZNF408 (zinc finger protein 408; plus strand). Cytogenetic location: 11p11.2.
Variant type: single nucleotide variant.
Coding change: c.2137G>A on transcript NM_024741.3 (MANE Select); coding-DNA position 2137, G replaced by A.
Protein change: p.Val713Met; replaces valine 713 with methionine.
Molecular consequence: missense variant.
Genome position (GRCh38, 1-based): chr11:46,705,837, G>A. VCF-style: chr11-46705837-G-A. GRCh37 (hg19) VCF-style: chr11-46727387-G-A.
Other names: c.2113G>A, p.Val705Met (NM_001184751.2); short protein forms V705M, V713M.
Identifiers: ClinVar variation 938562 (VCV000938562.9), dbSNP rs201697919, ClinGen allele CA5966726.

ClinVar aggregate classification (germline): Uncertain significance. Review status: criteria provided, multiple submitters, no conflicts (2 of 4 stars). 3 submissions from 3 submitters: Uncertain significance (3). Last evaluated 2026-01-22.

Conditions:
Retinal dystrophy. Also called: Inherited retinal dystrophy. Identifiers: Orphanet 71862, MedGen C0854723, MeSH D058499, MONDO:0019118, HP:0000556.

Allele frequency attached by ClinVar (database versions not stated): gnomAD 0.00021; ESP Exome Variant Server 0.00023; gnomAD exomes 0.00023 and 0.00036; ExAC 0.00029; TOPMed 0.00030.
gnomAD v4.1: 554 of 1,612,236 alleles (0.034%); highest among the groups gnomAD compares: Non-Finnish European, 0.045%; no homozygotes.

Submissions (3):

Labcorp Genetics (formerly Invitae), Labcorp
Classification: Uncertain significance. Last evaluated: 2026-01-22. Review status: criteria provided, single submitter. Criteria: Invitae Variant Classification Sherloc (09022015). Collection method: clinical testing. Allele origin: germline.
Comment: This sequence change replaces valine, which is neutral and non-polar, with methionine, which is neutral and non-polar, at codon 713 of the ZNF408 protein (p.Val713Met). This variant is present in population databases (rs201697919, gnomAD 0.04%). This missense change has been observed in individual(s) with retinitis pigmentosa (PMID: 28559085). ClinVar contains an entry for this variant (Variation ID: 938562). An algorithm developed to predict the effect of missense changes on protein structure and function (PolyPhen-2) suggests that this variant is likely to be disruptive. In summary, the available evidence is currently insufficient to determine the role of this variant in disease. Therefore, it has been classified as a Variant of Uncertain Significance.

Blueprint Genetics
Classification: Uncertain significance. Last evaluated: 2024-11-21. Review status: criteria provided, single submitter. Criteria: ACMG Guidelines, 2015. Collection method: clinical testing. Allele origin: germline.

Institute of Human Genetics, Univ. Regensburg, Univ. Regensburg
Classification: Uncertain significance for Retinal dystrophy. Last evaluated: 2023-01-01. Review status: criteria provided, single submitter. Criteria: ACMG Guidelines, 2015. Collection method: clinical testing. Allele origin: germline. Affected: yes.

Literature cited by the submitters: PubMed 28559085 (cited by Labcorp Genetics (formerly Invitae), Labcorp and Institute of Human Genetics, Univ. Regensburg, Univ. Regensburg).